The following is an entry in ClinVar:

NM_014218.3(KIR2DL1):c.524C>G (p.Pro175Arg)

Gene: KIR2DL1 (killer cell immunoglobulin like receptor, two Ig domains and long cytoplasmic tail 1). Cytogenetic location: 19q13.42.
Variant type: single nucleotide variant.
Coding change: c.524C>G on transcript NM_014218.3 (MANE Select); coding-DNA position 524, C replaced by G.
Protein change: p.Pro175Arg; replaces proline 175 with arginine.
Molecular consequence: missense variant.
Genome position (GRCh38, 1-based): chr19:54,775,318, C>G. VCF-style: chr19-54775318-C-G. GRCh37 (hg19) VCF-style: chr19-55286770-C-G.
Other names: short protein forms P175R.
Identifiers: ClinVar variation 3060208 (VCV003060208.2), dbSNP rs538559888, ClinGen allele CA309886432.

ClinVar aggregate classification (germline): Likely benign (0 of 4 stars; one submission).

Conditions:
KIR2DL1-related disorder. Also called: KIR2DL1-related condition.

Allele frequency attached by ClinVar (database versions not stated): ExAC 0.00236; 1000 Genomes Project 0.03355; 1000 Genomes Project 30x 0.15522.

Submission:

PreventionGenetics, part of Exact Sciences
Classification: Likely benign for KIR2DL1-related condition. Last evaluated: 2022-02-28. Review status: no assertion criteria provided. Collection method: clinical testing. Allele origin: germline.
Comment: This variant is classified as likely benign based on ACMG/AMP sequence variant interpretation guidelines (Richards et al. 2015 PMID: 25741868, with internal and published modifications).